The following is an entry in ClinVar:

NM_001077350.3(NPRL3):c.491C>G (p.Thr164Ser)

Genes: HBA-LCR (alpha-globin locus control region; plus strand), NPRL3 (NPR3 like, GATOR1 complex subunit; minus strand). Cytogenetic location: 16p13.3.
Variant type: single nucleotide variant.
Coding change: c.491C>G on transcript NM_001077350.3 (MANE Select); coding-DNA position 491, C replaced by G.
Protein change: p.Thr164Ser; replaces threonine 164 with serine.
Molecular consequence: missense variant. On other transcripts: 5 prime UTR variant (1).
Genome position (GRCh38, 1-based): chr16:112,678, G>C on the plus strand (C>G on the coding strand, the complement: NPRL3 is on the minus strand). VCF-style: chr16-112678-G-C. GRCh37 (hg19) VCF-style: chr16-162677-G-C.
Other names: c.-47C>G (NM_001039476.3); c.257C>G, p.Thr86Ser (NM_001243247.2); c.416C>G, p.Thr139Ser (NM_001243248.2, NM_001243249.2); short protein forms T164S, T86S, T139S.
Identifiers: ClinVar variation 2985702 (VCV002985702.3), dbSNP rs1899868336, ClinGen allele CA393993803.

ClinVar aggregate classification (germline): Uncertain significance (1 of 4 stars; one submission).

Conditions:
Epilepsy, familial focal, with variable foci 3 (FFEVF3). Identifiers: MedGen C4310708, MONDO:0014925, OMIM 617118.

Allele frequency attached by ClinVar (database versions not stated): TOPMed below 0.00001.
gnomAD v4.1: 3 of 1,609,402 alleles (0.00019%); highest among the groups gnomAD compares: Admixed American, 0.0017%; no homozygotes.

Submission:

Labcorp Genetics (formerly Invitae), Labcorp
Classification: Uncertain significance for Epilepsy, familial focal, with variable foci 3. Last evaluated: 2024-11-18. Review status: criteria provided, single submitter. Criteria: Invitae Variant Classification Sherloc (09022015). Collection method: clinical testing. Allele origin: germline.
Comment: This sequence change replaces threonine, which is neutral and polar, with serine, which is neutral and polar, at codon 164 of the NPRL3 protein (p.Thr164Ser). This variant is not present in population databases (gnomAD no frequency). This variant has not been reported in the literature in individuals affected with NPRL3-related conditions. ClinVar contains an entry for this variant (Variation ID: 2985702). Invitae Evidence Modeling of protein sequence and biophysical properties (such as structural, functional, and spatial information, amino acid conservation, physicochemical variation, residue mobility, and thermodynamic stability) indicates that this missense variant is not expected to disrupt NPRL3 protein function with a negative predictive value of 80%. In summary, the available evidence is currently insufficient to determine the role of this variant in disease. Therefore, it has been classified as a Variant of Uncertain Significance.